The following is an entry in ClinVar:

ClinVar aggregate classification (germline): Uncertain significance (1 of 4 stars; one submission).

Allele frequency attached by ClinVar (database versions not stated): gnomAD 0.00001.

Submission:

GeneDx
Classification: Uncertain significance. Last evaluated: 2020-01-07. Review status: criteria provided, single submitter. Criteria: GeneDx Variant Classification Process June 2021. Collection method: clinical testing. Allele origin: germline. Affected: yes.
Comment: Has not been previously published as pathogenic or benign to our knowledge; Not observed in large population cohorts (Lek et al., 2016); In silico analysis, which includes protein predictors and evolutionary conservation, supports that this variant does not alter protein structure/function

NM_018117.12(WDR11):c.2470T>G (p.Ser824Ala)

Gene: WDR11 (WD repeat domain 11; plus strand). Cytogenetic location: 10q26.12.
Variant type: single nucleotide variant.
Coding change: c.2470T>G on transcript NM_018117.12 (MANE Select); coding-DNA position 2470, T replaced by G.
Protein change: p.Ser824Ala; replaces serine 824 with alanine.
Molecular consequence: missense variant.
Genome position (GRCh38, 1-based): chr10:120,890,842, T>G. VCF-style: chr10-120890842-T-G. GRCh37 (hg19) VCF-style: chr10-122650354-T-G.
Other names: short protein forms S824A.
Identifiers: ClinVar variation 1311697 (VCV001311697.2), dbSNP rs1847407944, ClinGen allele CA378330730.